The following is an entry in ClinVar:

NM_032043.3(BRIP1):c.918+8A>C

Gene: BRIP1 (BRCA1 interacting DNA helicase 1; minus strand). Cytogenetic location: 17q23.2.
Variant type: single nucleotide variant.
Coding change: c.918+8A>C on transcript NM_032043.3 (MANE Select); 8 bases into the intron after coding-DNA position 918, A replaced by C.
Molecular consequence: intron variant.
Genome position (GRCh38, 1-based): chr17:61,808,459, T>G on the plus strand (A>C on the coding strand, the complement: BRIP1 is on the minus strand). VCF-style: chr17-61808459-T-G. GRCh37 (hg19) VCF-style: chr17-59885820-T-G.
Identifiers: ClinVar variation 379900 (VCV000379900.11), dbSNP rs765147876, ClinGen allele CA8690836.

ClinVar aggregate classification (germline): Likely benign. Review status: criteria provided, multiple submitters, no conflicts (2 of 4 stars). 3 submissions from 3 submitters: Likely benign (3). Last evaluated 2025-08-21.

Conditions:
Familial cancer of breast. Also called: Hereditary breast cancer; BREAST CANCER, FAMILIAL; hereditary breast carcinoma. Identifiers: Orphanet 227535, MedGen C0346153, MONDO:0016419, OMIM 114480. Disease mechanism: loss of function.
Fanconi anemia complementation group J. Also called: BRIP1-Related Fanconi Anemia. Identifiers: Orphanet 84, MedGen C1836860, MONDO:0012187, OMIM 609054.

Allele frequency attached by ClinVar (database versions not stated): gnomAD exomes below 0.00001; ExAC 0.00001.
gnomAD v4.1: 2 of 1,607,584 alleles (0.00012%); highest among the groups gnomAD compares: South Asian, 0.0011%; no homozygotes.

Submissions (3):

Labcorp Genetics (formerly Invitae), Labcorp
Classification: Likely benign for Familial cancer of breast; Fanconi anemia complementation group J. Last evaluated: 2025-08-21. Review status: criteria provided, single submitter. Criteria: Invitae Variant Classification Sherloc (09022015). Collection method: clinical testing. Allele origin: germline.

Myriad Genetics, Inc.
Classification: Likely benign for Familial cancer of breast. Last evaluated: 2024-08-22. Review status: criteria provided, single submitter. Criteria: Myriad Autosomal Dominant, Autosomal Recessive and X-Linked Classification Criteria (2023). Collection method: clinical testing. Allele origin: unknown.
Comment: This variant is considered likely benign. This variant is intronic and is not expected to impact mRNA splicing.

GeneDx
Classification: Likely benign. Last evaluated: 2016-10-21. Review status: criteria provided, single submitter. Criteria: GeneDx Variant Classification (06012015). Collection method: clinical testing. Allele origin: germline. Affected: yes.
Comment: This variant is considered likely benign or benign based on one or more of the following criteria: it is a conservative change, it occurs at a poorly conserved position in the protein, it is predicted to be benign by multiple in silico algorithms, and/or has population frequency not consistent with disease.